The following is an entry in ClinVar:

ClinVar aggregate classification (germline): Benign/Likely benign. Review status: criteria provided, multiple submitters, no conflicts (2 of 4 stars). 5 submissions from 5 submitters: Benign (2); Likely benign (2). 1 of the submissions does not count toward it. Last evaluated 2026-06-25.

Conditions:
ZNF469-related disorder. Also called: ZNF469-related condition.
Cardiovascular phenotype. Identifiers: MedGen CN230736.

Allele frequency attached by ClinVar (database versions not stated): TOPMed 0.00038; ExAC 0.00048; 1000 Genomes Project 0.00140; 1000 Genomes Project 30x 0.00141.
gnomAD v4.1: 489 of 1,548,798 alleles (0.032%); highest among the groups gnomAD compares: East Asian, 1.1%; 6 homozygotes.

Submissions (5):

Women's Health and Genetics/Laboratory Corporation of America, LabCorp
Classification: Likely benign. Last evaluated: 2026-06-25. Review status: criteria provided, single submitter. Criteria: LabCorp Variant Classification Summary - May 2015. Collection method: clinical testing. Allele origin: germline.
Comment: Variant summary: ZNF469 c.8642G>A (p.Arg2881His) results in a non-conservative amino acid change in the encoded protein sequence. Algorithms developed to predict the effect of missense changes on protein structure and function are either unavailable or do not agree on the potential impact of this missense change. The variant allele was found at a frequency of 0.00035 in 150724 control chromosomes, predominantly at a frequency of 0.0046 within the East Asian subpopulation in the gnomAD database, including 2 homozygotes. The observed variant frequency within East Asian control individuals in the gnomAD database exceeds the estimated maximal expected allele frequency for disease-causing variants in ZNF469. To our knowledge, no occurrence of c.8642G>A in individuals affected with ZNF469-related conditions and no experimental evidence demonstrating its impact on protein function have been reported. ClinVar contains an entry for this variant (Variation ID: 320991). Based on the evidence outlined above, the variant was classified as likely benign.

Labcorp Genetics (formerly Invitae), Labcorp
Classification: Benign. Last evaluated: 2026-02-01. Review status: criteria provided, single submitter. Criteria: Invitae Variant Classification Sherloc (09022015). Collection method: clinical testing. Allele origin: germline.

Ambry Genetics
Classification: Benign for Cardiovascular phenotype. Last evaluated: 2023-04-27. Review status: criteria provided, single submitter. Criteria: Ambry Variant Classification Scheme 2023. Collection method: clinical testing. Allele origin: germline.

GeneDx
Classification: Likely benign. Last evaluated: 2020-03-17. Review status: criteria provided, single submitter. Criteria: GeneDx Variant Classification Process June 2021. Collection method: clinical testing. Allele origin: germline. Affected: yes.
Comment: This variant is associated with the following publications: (PMID: 25010007)

PreventionGenetics, part of Exact Sciences
Classification: Likely benign for ZNF469-related condition. Last evaluated: 2022-10-17. Review status: no assertion criteria provided. Collection method: clinical testing. Allele origin: germline. Not counted in ClinVar's aggregate classification.
Comment: This variant is classified as likely benign based on ACMG/AMP sequence variant interpretation guidelines (Richards et al. 2015 PMID: 25741868, with internal and published modifications).

NM_001367624.2(ZNF469):c.8642G>A (p.Arg2881His)

Gene: ZNF469 (zinc finger protein 469; plus strand). Cytogenetic location: 16q24.2.
Variant type: single nucleotide variant.
Coding change: c.8642G>A on transcript NM_001367624.2 (MANE Select); coding-DNA position 8642, G replaced by A.
Protein change: p.Arg2881His; replaces arginine 2881 with histidine.
Molecular consequence: missense variant.
Genome position (GRCh38, 1-based): chr16:88,436,112, G>A. VCF-style: chr16-88436112-G-A. GRCh37 (hg19) VCF-style: chr16-88502520-G-A.
Other names: NM_001127464.1:c.8558G>A; NM_001127464.2:c.8558G>A; short protein forms R2881H.
Identifiers: ClinVar variation 320991 (VCV000320991.20), dbSNP rs142753357, ClinGen allele CA8225351.
Genomic context (GRCh38, chr16:88,436,112, plus strand): 5'-AGCTCTTCCCTCCAGGCGGTCGCTTGACTAGAAAGAGGAACCCGCATGTCTACGGGAAGC[G>A]CTGTGAGAAGCCGGTGCTCCCGCTGCCAACCCAGCCCAGCTTTGAGGAGGGCGGTGACCC-3'
Protein context (NP_001354553.1, residues 2871-2891): RKRNPHVYGK[Arg2881His]CEKPVLPLPT